The following is an entry in ClinVar:

ClinVar aggregate classification (germline): Uncertain significance. Review status: criteria provided, multiple submitters, no conflicts (2 of 4 stars). 6 submissions from 6 submitters: Uncertain significance (6). Last evaluated 2025-11-03.

Conditions:
Hereditary cancer-predisposing syndrome. Also called: Neoplastic Syndromes, Hereditary; Hereditary Cancer Syndrome; Tumor predisposition; Hereditary neoplastic syndrome. Identifiers: Orphanet 140162, MedGen C0027672, MeSH D009386, MONDO:0015356.
Breast-ovarian cancer, familial, susceptibility to, 1 (BROVCA1). Also called: BRCA1 Hereditary Breast and Ovarian Cancer; OVARIAN CANCER, SUSCEPTIBILITY TO. Identifiers: Orphanet 145, MedGen C2676676, MONDO:0011450, OMIM 604370. Disease mechanism: loss of function.
Ataxia-telangiectasia syndrome (AT). Also called: LOUIS-BAR SYNDROME; Cerebello-oculocutaneous telangiectasia; Immunodeficiency with ataxia telangiectasia; Ataxia-telangiectasia, complementation group D; AT, COMPLEMENTATION GROUP C; Ataxia-telangiectasia, complementation group E. Identifiers: Orphanet 100, MedGen C0004135, MONDO:0008840, OMIM 208900.
Familial cancer of breast. Also called: Hereditary breast cancer; BREAST CANCER, FAMILIAL; hereditary breast carcinoma. Identifiers: Orphanet 227535, MedGen C0346153, MONDO:0016419, OMIM 114480. Disease mechanism: loss of function.

Submissions (6):

Ambry Genetics
Classification: Uncertain significance for Hereditary cancer-predisposing syndrome. Last evaluated: 2025-11-03. Review status: criteria provided, single submitter. Criteria: Ambry Variant Classification Scheme 2023. Collection method: clinical testing. Allele origin: germline.
Comment: The c.5769_5771delTTC variant (also known as p.S1924del) is located in coding exon 38 of the ATM gene. This variant results from an in-frame TTC deletion at nucleotide positions 5769 to 5771. This results in the in-frame deletion of a serine at codon 1924. This amino acid position is not well conserved in available vertebrate species. In addition, the in silico prediction for this alteration is inconclusive (Choi Y et al. PLoS ONE. 2012; 7(10):e46688). Since supporting evidence is limited at this time, the clinical significance of this alteration remains unclear.

Institute of Immunology and Genetics Kaiserslautern
Classification: Uncertain significance for Breast-ovarian cancer, familial, susceptibility to, 1. Last evaluated: 2025-07-29. Review status: criteria provided, single submitter. Criteria: ACMG Guidelines, 2015. Collection method: clinical testing. Allele origin: germline. Affected: yes.
Comment: ACMG Criteria: PM2_PM4.

Labcorp Genetics (formerly Invitae), Labcorp
Classification: Uncertain significance for Ataxia-telangiectasia syndrome. Last evaluated: 2025-05-04. Review status: criteria provided, single submitter. Criteria: Invitae Variant Classification Sherloc (09022015). Collection method: clinical testing. Allele origin: germline.
Comment: This variant, c.5769_5771del, results in the deletion of 1 amino acid(s) of the ATM protein (p.Ser1924del), but otherwise preserves the integrity of the reading frame. This variant is present in population databases (no rsID available, gnomAD 0.003%). This variant has not been reported in the literature in individuals affected with ATM-related conditions. ClinVar contains an entry for this variant (Variation ID: 419402). Experimental studies and prediction algorithms are not available or were not evaluated, and the functional significance of this variant is currently unknown. In summary, the available evidence is currently insufficient to determine the role of this variant in disease. Therefore, it has been classified as a Variant of Uncertain Significance.

Color Diagnostics, LLC DBA Color Health
Classification: Uncertain significance for Hereditary cancer-predisposing syndrome. Last evaluated: 2024-09-18. Review status: criteria provided, single submitter. Criteria: ACMG Guidelines, 2015. Collection method: clinical testing. Allele origin: germline.
Comment: This variant causes an in-frame deletion of one amino acids of the ATM protein. To our knowledge, functional studies have not been reported for this variant. This variant has not been reported in individuals affected with ATM-related disorders in the literature. This variant has been identified in 1/250570 chromosomes in the general population by the Genome Aggregation Database (gnomAD). The available evidence is insufficient to determine the role of this variant in disease conclusively. Therefore, this variant is classified as a Variant of Uncertain Significance.

KCCC/NGS Laboratory, Kuwait Cancer Control Center
Classification: Uncertain significance for Familial cancer of breast. Last evaluated: 2023-09-13. Review status: criteria provided, single submitter. Criteria: ACMG Guidelines, 2015. Collection method: clinical testing. Allele origin: germline. Inheritance: Autosomal dominant inheritance. Affected: yes. Observed: 1 heterozygote.
Comment: This variant, c.5769_5771del, results in the deletion of 1 amino acid(s) of the ATM protein (p.Ser1924del),This in frame deletions may or may not inhibit proper protein functioning as in frame deletion preserves the integrity of the reading frame. . This variant is present in population databases (no rsID available, gnomAD 0.003%). This variant has not been reported in the literature in individuals affected with ATM-related conditions. ClinVar contains an entry for this variant (Variation ID: 419402). This amino acid position is not well conserved ( phyloP=0.91, 2.86, 0.27, 1.18) and is not located in a known functional domain (Uniprot). In addition, the in silico prediction for this alteration is inconclusive. In summary, the available evidence is currently insufficient to determine the role of this variant in disease. Therefore, it has been classified as a Variant of Uncertain Significance.

GeneDx
Classification: Uncertain significance. Last evaluated: 2015-07-14. Review status: criteria provided, single submitter. Criteria: GeneDx Variant Classification (06012015). Collection method: clinical testing. Allele origin: germline. Affected: yes.
Comment: This deletion of 3 nucleotides in ATM is denoted c.5769_5771delTTC at the cDNA level and p.Ser1924del (S1924del) at the protein level. The normal sequence, with the bases that are deleted in braces, is CTTC[TTC]AGGA. This in frame deletion of a single Serine residue occurs at a position that is not conserved across species and is not located in a known functional domain (Uniprot). This variant has not, to our knowledge, been published in the literature as pathogenic or benign. Since in frame deletions may or may not inhibit proper protein functioning, the clinical significance of this finding remains unclear at this time and we consider ATM Ser1924del to be a variant of uncertain significance.

NM_000051.4(ATM):c.5766TTC[1] (p.Ser1924del)

Genes: ATM (ATM serine/threonine kinase; plus strand), C11orf65 (chromosome 11 open reading frame 65; minus strand). Cytogenetic location: 11q22.3.
Variant type: Microsatellite.
Coding change: c.5766TTC[1] on transcript NM_000051.4 (MANE Select); one copy of the 3-base unit TTC starting at c.5766; the reference has two copies in a row; one copy, 3 bases deleted; also written c.5769_5771del.
Protein change: p.Ser1924del; deletes serine 1924.
Molecular consequence: inframe deletion. On other transcripts: inframe indel (2), intron variant (2).
Genome position (GRCh38, 1-based): chr11:108,310,166-108,310,168, TTC deleted; deleting any 3 consecutive bases within chr11:108,310,162-108,310,168 gives the same sequence; the position shown is the placement nearest the transcript's 3' end. VCF-style (leftmost placement, unchanged base first): chr11-108310161-CCTT-C. GRCh37 (hg19) VCF-style: chr11-108180888-CCTT-C.
Other names: c.5769_5771del (NM_000051.3, NM_000051.4); c.5766TTC[1], p.Ser1924del (NM_001351834.2); c.641-1093_641-1091del (NM_001330368.2); c.*39-1093_*39-1091del (NM_001351110.2); c.5769_5771delTTC (NM_000051.3); short protein forms S1924del.
Identifiers: ClinVar variation 419402 (VCV000419402.18), dbSNP rs866749094, ClinGen allele CA16619204.
Genomic context (GRCh38, chr11:108,310,161, plus strand): 5'-TTTTATTTTGATATTGAAGTTTAAAAAAGTGAATGACATTATATCTCATTTTTCTTTAGA[CCTT>C]CTTCAGGAACAATTTTTAATGATGCTTTCTGGCTGGATTTAAATTATCTAGAAGTTGCCA-3'